The following is an entry in ClinVar:

NM_001367624.2(ZNF469):c.6028G>C (p.Gly2010Arg)

Gene: ZNF469 (zinc finger protein 469; plus strand). Cytogenetic location: 16q24.2.
Variant type: single nucleotide variant.
Coding change: c.6028G>C on transcript NM_001367624.2 (MANE Select); coding-DNA position 6028, G replaced by C.
Protein change: p.Gly2010Arg; replaces glycine 2010 with arginine.
Molecular consequence: missense variant.
Genome position (GRCh38, 1-based): chr16:88,433,498, G>C. VCF-style: chr16-88433498-G-C. GRCh37 (hg19) VCF-style: chr16-88499906-G-C.
Other names: short protein forms G2010R.
Identifiers: ClinVar variation 2989957 (VCV002989957.1), dbSNP rs2507592251, ClinGen allele CA397103654.

ClinVar aggregate classification (germline): Uncertain significance (1 of 4 stars; one submission).

gnomAD v4.1: 1 of 1,550,374 alleles (0.000065%); no homozygotes.

Submission:

Labcorp Genetics (formerly Invitae), Labcorp
Classification: Uncertain significance. Last evaluated: 2023-08-17. Review status: criteria provided, single submitter. Criteria: Invitae Variant Classification Sherloc (09022015). Collection method: clinical testing. Allele origin: germline.
Comment: This variant is not present in population databases (gnomAD no frequency). This sequence change replaces glycine, which is neutral and non-polar, with arginine, which is basic and polar, at codon 1982 of the ZNF469 protein (p.Gly1982Arg). This variant has not been reported in the literature in individuals affected with ZNF469-related conditions. Algorithms developed to predict the effect of missense changes on protein structure and function output the following: SIFT: "Not Available"; PolyPhen-2: "Benign"; Align-GVGD: "Not Available". The arginine amino acid residue is found in multiple mammalian species, which suggests that this missense change does not adversely affect protein function. In summary, the available evidence is currently insufficient to determine the role of this variant in disease. Therefore, it has been classified as a Variant of Uncertain Significance.